The following is an entry in ClinVar:

NM_001145442.1(POTEM):c.474C>T (p.Ile158=)

Gene: POTEM (POTE ankyrin domain family member M; plus strand). Cytogenetic location: 14q11.2.
Variant type: single nucleotide variant.
Coding change: c.474C>T on transcript NM_001145442.1 (MANE Select); coding-DNA position 474, C replaced by T.
Protein change: p.Ile158=; no amino-acid change (isoleucine 158 retained).
Molecular consequence: synonymous variant.
Genome position (GRCh38, 1-based): chr14:18,967,959, C>T. VCF-style: chr14-18967959-C-T. GRCh37 (hg19) VCF-style: chr14-20019747-G-A.
Identifiers: ClinVar variation 3234320 (VCV003234320.20), dbSNP rs1221546353, ClinGen allele CA485460816.

ClinVar aggregate classification (germline): Likely benign (1 of 4 stars; one submission).

Submission:

CeGaT Center for Human Genetics Tuebingen
Classification: Likely benign. Last evaluated: 2024-04-01. Review status: criteria provided, single submitter. Criteria: CeGaT Center For Human Genetics Tuebingen Variant Classification Criteria Version 2. Collection method: clinical testing. Allele origin: germline. Affected: yes. Observed: 1 variant allele.
Comment: POTEM: BP4, BP7